The following is an entry in ClinVar:

ClinVar aggregate classification (germline): Likely benign. Review status: criteria provided, multiple submitters, no conflicts (2 of 4 stars). 2 submissions from 2 submitters: Likely benign (2). Last evaluated 2025-02-20.

Conditions:
Breast-ovarian cancer, familial, susceptibility to, 4. Identifiers: Orphanet 145, MedGen C3280345, MONDO:0013669, OMIM 614291.

Submissions (2):

Myriad Genetics, Inc.
Classification: Likely benign for Breast-ovarian cancer, familial, susceptibility to, 4. Last evaluated: 2025-02-20. Review status: criteria provided, single submitter. Criteria: Myriad Autosomal Dominant, Autosomal Recessive and X-Linked Classification Criteria (2023). Collection method: clinical testing. Allele origin: unknown.
Comment: This variant is considered likely benign. This variant is intronic and is not expected to impact mRNA splicing.

Labcorp Genetics (formerly Invitae), Labcorp
Classification: Likely benign for Breast-ovarian cancer, familial, susceptibility to, 4. Last evaluated: 2023-07-07. Review status: criteria provided, single submitter. Criteria: Invitae Variant Classification Sherloc (09022015). Collection method: clinical testing. Allele origin: germline.

NM_002878.4(RAD51D):c.83-17del

Genes: RAD51D (RAD51 paralog D; minus strand), RAD51L3-RFFL (RAD51L3-RFFL readthrough; minus strand). Cytogenetic location: 17q12.
Variant type: Deletion.
Coding change: c.83-17del on transcript NM_002878.4 (MANE Select); 17 bases into the intron before coding-DNA position 83, one base deleted (A; older notation c.83-17delA).
Molecular consequence: intron variant.
Genome position (GRCh38, 1-based): chr17:35,119,189, T deleted on the plus strand (A on the coding strand, the reverse complement: RAD51D is on the minus strand). VCF-style (leftmost placement, unchanged base first): chr17-35119188-GT-G. GRCh37 (hg19) VCF-style: chr17-33446207-GT-G.
Other names: c.83-17del (NM_133629.3, NM_001142571.2).
Identifiers: ClinVar variation 2736551 (VCV002736551.4), dbSNP rs2509186048, ClinGen allele CA2697559754.